The following is an entry in ClinVar:

ClinVar aggregate classification (germline): Likely pathogenic (1 of 4 stars; one submission).

Conditions:
Early-onset myopathy with fatal cardiomyopathy (CMYO5). Also called: CONGENITAL MYOPATHY 5 WITH CARDIOMYOPATHY; Salih Myopathy. Identifiers: Orphanet 289377, MedGen C2673677, MONDO:0012714, OMIM 611705. Disease mechanism: loss of function.

Submission:

Rady Children's Institute for Genomic Medicine, Rady Children's Hospital San Diego
Classification: Likely pathogenic for MYOPATHY, EARLY-ONSET, WITH FATAL CARDIOMYOPATHY. Last evaluated: 2019-05-03. Review status: criteria provided, single submitter. Criteria: ACMG Guidelines, 2015. Collection method: clinical testing. Allele origin: germline. Affected: yes.
Comment: This nonsense variant found in exon 347 of 363 is predicted to result in loss of normal protein function. This variant has not been previously reported or functionally characterized in the literature to our knowledge. It is absent from the ExAC and gnomAD population databases and thus is presumed to be rare. Based on the available evidence, the c.96377G>A (p.Trp32126Ter) variant is classified as Likely Pathogenic.

NM_001267550.2(TTN):c.96377G>A (p.Trp32126Ter)

Genes: TTN (titin; minus strand), TTN-AS1 (TTN antisense RNA 1; plus strand), LOC126806421 (CDK7 strongly-dependent group 2 enhancer GRCh37_chr2:179407630-179408829; plus strand). Cytogenetic location: 2q31.2.
Variant type: single nucleotide variant.
Coding change: c.96377G>A on transcript NM_001267550.2 (MANE Select); coding-DNA position 96377, G replaced by A.
Protein change: p.Trp32126Ter; replaces tryptophan 32126 with a stop codon.
Molecular consequence: nonsense.
Genome position (GRCh38, 1-based): chr2:178,543,596, C>T on the plus strand (G>A on the coding strand, the complement: TTN is on the minus strand). VCF-style: chr2-178543596-C-T. GRCh37 (hg19) VCF-style: chr2-179408323-C-T.
Other names: c.91454G>A, p.Trp30485Ter (NM_001256850.1); c.69182G>A, p.Trp23061Ter (NM_003319.4); c.88673G>A, p.Trp29558Ter (NM_133378.4); c.69557G>A, p.Trp23186Ter (NM_133432.3); c.69758G>A, p.Trp23253Ter (NM_133437.4); short protein forms W23061*, W23186*, W23253*, W29558*, W30485*, W32126*.
Identifiers: ClinVar variation 986349 (VCV000986349.1), dbSNP rs1695634838, ClinGen allele CA349449180.